The following is an entry in ClinVar:

NM_001374385.1(ATP8B1):c.3449T>C (p.Ile1150Thr)

Genes: ATP8B1 (ATPase phospholipid transporting 8B1; minus strand), ATP8B1-AS1 (ATP8B1 antisense RNA 1; plus strand). Cytogenetic location: 18q21.31.
Variant type: single nucleotide variant.
Coding change: c.3449T>C on transcript NM_001374385.1 (MANE Select); coding-DNA position 3449, T replaced by C.
Protein change: p.Ile1150Thr; replaces isoleucine 1150 with threonine.
Molecular consequence: missense variant.
Genome position (GRCh38, 1-based): chr18:57,650,449, A>G on the plus strand (T>C on the coding strand, the complement: ATP8B1 is on the minus strand). VCF-style: chr18-57650449-A-G. GRCh37 (hg19) VCF-style: chr18-55317681-A-G.
Other names: c.3299T>C, p.Ile1100Thr (NM_001374386.1); c.3449T>C, p.Ile1150Thr (NM_005603.6); short protein forms I1100T, I1150T.
Identifiers: ClinVar variation 2802348 (VCV002802348.4), dbSNP rs1212888083, ClinGen allele CA402541643.

ClinVar aggregate classification (germline): Conflicting classifications of pathogenicity. Review status: criteria provided, conflicting classifications (1 of 4 stars). 2 submissions from 2 submitters: Uncertain significance (1); Likely benign (1). Last evaluated 2026-04-14.

Conditions:
Familial intrahepatic cholestasis. Identifiers: Orphanet 284385, MedGen CN296401, MONDO:0017290.

Allele frequency attached by ClinVar (database versions not stated): gnomAD 0.00001; gnomAD exomes 0.00001; TOPMed 0.00002.
gnomAD v4.1: 9 of 1,613,856 alleles (0.00056%); highest among the groups gnomAD compares: Middle Eastern, 0.016%; no homozygotes.

Submissions (2):

Genomenon, Inc
Classification: Uncertain significance for Familial intrahepatic cholestasis. Last evaluated: 2026-04-14. Review status: criteria provided, single submitter. Criteria: Genomenon Sequence Variant Interpretation Standards - Updated. Collection method: curation. Allele origin: germline. Affected: no.
Comment: ATP8B1 p.Ile1150Thr (c.3449T>C) is a missense variant that changes the amino acid at residue 1150 from Isoleucine to Threonine. This variant has been reported in the published literature (PMID:24260417). It is absent or not present at a significant frequency in gnomAD. In conclusion, we classify ATP8B1 p.Ile1150Thr (c.3449T>C) as a variant of uncertain significance.

Labcorp Genetics (formerly Invitae), Labcorp
Classification: Likely benign. Last evaluated: 2025-12-02. Review status: criteria provided, single submitter. Criteria: Invitae Variant Classification Sherloc (09022015). Collection method: clinical testing. Allele origin: germline.

Literature cited by the submitters: PubMed 24260417 (cited by Genomenon, Inc).